The following is an entry in ClinVar:

ClinVar aggregate classification (germline): Uncertain significance. Review status: criteria provided, multiple submitters, no conflicts (2 of 4 stars). 3 submissions from 3 submitters: Uncertain significance (2). 1 of the submissions does not count toward it. Last evaluated 2024-11-10.

Allele frequency attached by ClinVar (database versions not stated): gnomAD 0.00001; gnomAD exomes 0.00001; ExAC 0.00002; TOPMed 0.00003; ESP Exome Variant Server 0.00008.
gnomAD v4.1: 9 of 1,611,942 alleles (0.00056%); highest among the groups gnomAD compares: African/African-American, 0.0053%; no homozygotes.

Submissions (3):

Ambry Genetics
Classification: Uncertain significance. Last evaluated: 2024-11-10. Review status: criteria provided, single submitter. Criteria: Ambry Variant Classification Scheme 2023. Collection method: clinical testing. Allele origin: germline.

Labcorp Genetics (formerly Invitae), Labcorp
Classification: Uncertain significance. Last evaluated: 2022-05-04. Review status: criteria provided, single submitter. Criteria: Invitae Variant Classification Sherloc (09022015). Collection method: clinical testing. Allele origin: germline.
Comment: ClinVar contains an entry for this variant (Variation ID: 1049854). This sequence change replaces proline, which is neutral and non-polar, with leucine, which is neutral and non-polar, at codon 790 of the ZNF341 protein (p.Pro790Leu). This variant is present in population databases (rs376688156, gnomAD 0.01%). This variant has not been reported in the literature in individuals affected with ZNF341-related conditions. Algorithms developed to predict the effect of missense changes on protein structure and function (SIFT, PolyPhen-2, Align-GVGD) all suggest that this variant is likely to be tolerated. In summary, the available evidence is currently insufficient to determine the role of this variant in disease. Therefore, it has been classified as a Variant of Uncertain Significance.

Department of Pathology and Laboratory Medicine, Sinai Health System
Classification: Uncertain significance. Review status: no assertion criteria provided. Collection method: clinical testing. Allele origin: unknown. Affected: yes. Study: The Canadian Open Genetics Repository (COGR). Not counted in ClinVar's aggregate classification.
Comment: The ZNF341 p.P797L variant was not identified in the literature nor was it identified in ClinVar. The variant was identified in dbSNP (ID: rs376688156). The variant was identified in control databases in 2 of 247814 chromosomes at a frequency of 0.000008071 (Genome Aggregation Database March 6, 2019, v2.1.1). The p.P797 residue is not conserved in mammals and computational analyses (MUT Assesor, PolyPhen-2, SIFT, MutationTaster, Revel, FATHMM, MetaLR, DANN) do not suggest a high likelihood of impact to the protein; however this information is not predictive enough to rule out pathogenicity. The variant occurs outside of the splicing consensus sequence and in silico or computational prediction software programs (Splice AI exome) do not predict a difference in splicing. In summary, based on the above information the clinical significance of this variant cannot be determined with certainty at this time. This variant is classified as a variant of uncertain significance.

NM_001282933.2(ZNF341):c.2390C>T (p.Pro797Leu)

Genes: ZNF341 (zinc finger protein 341; plus strand), ZNF341-AS1 (ZNF341 antisense RNA 1; minus strand). Cytogenetic location: 20q11.22.
Variant type: single nucleotide variant.
Coding change: c.2390C>T on transcript NM_001282933.2 (MANE Select); coding-DNA position 2390, C replaced by T.
Protein change: p.Pro797Leu; replaces proline 797 with leucine.
Molecular consequence: missense variant. On other transcripts: non-coding transcript variant (1).
Genome position (GRCh38, 1-based): chr20:33,791,342, C>T. VCF-style: chr20-33791342-C-T. GRCh37 (hg19) VCF-style: chr20-32379148-C-T.
Other names: c.2120C>T, p.Pro707Leu (NM_001282935.2); c.2369C>T, p.Pro790Leu (NM_032819.5); c.2369C>T (NM_032819.3); short protein forms P707L, P790L, P797L.
Identifiers: ClinVar variation 1049854 (VCV001049854.6), dbSNP rs376688156, ClinGen allele CA9819788.